The following is an entry in ClinVar:

NM_000264.5(PTCH1):c.2347C>T (p.Arg783Trp)

Genes: PTCH1 (patched 1; minus strand), LOC100507346 (uncharacterized LOC100507346; plus strand). Cytogenetic location: 9q22.32.
Variant type: single nucleotide variant.
Coding change: c.2347C>T on transcript NM_000264.5 (MANE Select); coding-DNA position 2347, C replaced by T.
Protein change: p.Arg783Trp; replaces arginine 783 with tryptophan.
Molecular consequence: missense variant.
Genome position (GRCh38, 1-based): chr9:95,467,329, G>A on the plus strand (C>T on the coding strand, the complement: PTCH1 is on the minus strand). VCF-style: chr9-95467329-G-A. GRCh37 (hg19) VCF-style: chr9-98229611-G-A.
Other names: c.2149C>T, p.Arg717Trp (NM_001083602.3); c.2344C>T, p.Arg782Trp (NM_001083603.3); c.1894C>T, p.Arg632Trp (NM_001083604.3, NM_001083605.3, NM_001083606.3 and 1 more transcripts); c.2191C>T, p.Arg731Trp (NM_001354918.2); short protein forms R717W, R783W, R731W, R782W, R632W.
Identifiers: ClinVar variation 409197 (VCV000409197.12), dbSNP rs1060502293, ClinGen allele CA16612926.
Genomic context (GRCh38, chr9:95,467,329, plus strand): 5'-TGTTGTAGAAAGAAAAGTATTTGAATTGTGCAGCAATAAAGTCATATTCTCTGGTTTCCC[G>A]AGGTACAATGTCCGTAAGGTCCAGCCCGTCTCTCACTCGGGTGGTGCCATAAAGGCTGAC-3'
Protein context (NP_000255.2, residues 773-793): DGLDLTDIVP[Arg783Trp]ETREYDFIAA

ClinVar aggregate classification (germline): Uncertain significance. Review status: criteria provided, multiple submitters, no conflicts (2 of 4 stars). 3 submissions from 3 submitters: Uncertain significance (3). Last evaluated 2025-12-15.

Conditions:
Gorlin syndrome. Also called: Nevoid Basal Cell Carcinoma Syndrome; Basal cell nevus syndrome. Identifiers: Orphanet 377, MedGen C0004779, MONDO:0007187.
Hereditary cancer-predisposing syndrome. Also called: Hereditary neoplastic syndrome; Neoplastic Syndromes, Hereditary; Tumor predisposition; Hereditary Cancer Syndrome. Identifiers: Orphanet 140162, MedGen C0027672, MeSH D009386, MONDO:0015356.

Allele frequency attached by ClinVar (database versions not stated): gnomAD exomes below 0.00001; TOPMed below 0.00001.

Submissions (3):

Labcorp Genetics (formerly Invitae), Labcorp
Classification: Uncertain significance for Gorlin syndrome. Last evaluated: 2025-12-15. Review status: criteria provided, single submitter. Criteria: Invitae Variant Classification Sherloc (09022015). Collection method: clinical testing. Allele origin: germline.
Comment: This sequence change replaces arginine, which is basic and polar, with tryptophan, which is neutral and slightly polar, at codon 783 of the PTCH1 protein (p.Arg783Trp). This variant is present in population databases (no rsID available, gnomAD 0.0009%). This variant has not been reported in the literature in individuals affected with PTCH1-related conditions. ClinVar contains an entry for this variant (Variation ID: 409197). Invitae Evidence Modeling of protein sequence and biophysical properties (such as structural, functional, and spatial information, amino acid conservation, physicochemical variation, residue mobility, and thermodynamic stability) has been performed for this missense variant. However, the output from this modeling did not meet the statistical confidence thresholds required to predict the impact of this variant on PTCH1 protein function. In summary, the available evidence is currently insufficient to determine the role of this variant in disease. Therefore, it has been classified as a Variant of Uncertain Significance.

Ambry Genetics
Classification: Uncertain significance for Hereditary cancer-predisposing syndrome. Last evaluated: 2024-03-28. Review status: criteria provided, single submitter. Criteria: Ambry Variant Classification Scheme 2023. Collection method: clinical testing. Allele origin: germline.
Comment: The p.R783W variant (also known as c.2347C>T), located in coding exon 15 of the PTCH1 gene, results from a C to T substitution at nucleotide position 2347. The arginine at codon 783 is replaced by tryptophan, an amino acid with dissimilar properties. This amino acid position is highly conserved in available vertebrate species. In addition, this alteration is predicted to be deleterious by in silico analysis. Since supporting evidence is limited at this time, the clinical significance of this alteration remains unclear.

GeneDx
Classification: Uncertain significance. Last evaluated: 2017-02-28. Review status: criteria provided, single submitter. Criteria: GeneDx Variant Classification (06012015). Collection method: clinical testing. Allele origin: germline. Affected: yes.
Comment: The R783W variant in the PTCH1 gene has previously been reported as a somatic variant in metastatic breast cancer, but has not been reported in the germline (Lefebvre et al., 2016). This variant is not observed in large population cohorts (Lek et al., 2016; 1000 Genomes Consortium et al., 2015; Exome Variant Server). The R783W variant is a non-conservative amino acid substitution, which is likely to impact secondary protein structure as these residues differ in polarity, charge, size and/or other properties. This substitution occurs at a position that is conserved across species, and is not located within a known functional domain. In silico analysis predicts this variant is probably damaging to the protein structure/function. Based on the currently available information, it is unclear whether this variant is a pathogenic variant or a rare benign variant. We consider it to be a variant of uncertain significance.